The following is an entry in ClinVar:

ClinVar aggregate classification (germline): Uncertain significance (1 of 4 stars; one submission).

Conditions:
Hereditary breast ovarian cancer syndrome. Also called: Hereditary breast and ovarian cancer syndrome (HBOC); Hereditary breast and/or ovarian cancer syndrome; Hereditary breast and ovarian cancer syndrome; Breast and ovarian cancer; Hereditary breast and ovarian cancer; BRCA1- and BRCA2-Associated Hereditary Breast and Ovarian Cancer. Identifiers: Orphanet 145, MedGen C0677776, MeSH D061325, MONDO:0003582. Disease mechanism: loss of function.

Submission:

Labcorp Genetics (formerly Invitae), Labcorp
Classification: Uncertain significance for Hereditary breast ovarian cancer syndrome. Last evaluated: 2023-09-20. Review status: criteria provided, single submitter. Criteria: Invitae Variant Classification Sherloc (09022015). Collection method: clinical testing. Allele origin: germline.
Comment: This sequence change replaces phenylalanine, which is neutral and non-polar, with serine, which is neutral and polar, at codon 1231 of the BRCA1 protein (p.Phe1231Ser). In summary, the available evidence is currently insufficient to determine the role of this variant in disease. Therefore, it has been classified as a Variant of Uncertain Significance. Advanced modeling of protein sequence and biophysical properties (such as structural, functional, and spatial information, amino acid conservation, physicochemical variation, residue mobility, and thermodynamic stability) performed at Invitae indicates that this missense variant is not expected to disrupt BRCA1 protein function. This variant has not been reported in the literature in individuals affected with BRCA1-related conditions. This variant is not present in population databases (gnomAD no frequency).

NM_007294.4(BRCA1):c.3692T>C (p.Phe1231Ser)

Genes: BRCA1 (BRCA1 DNA repair associated; minus strand), LOC126862571 (BRD4-independent group 4 enhancer GRCh37_chr17:41243136-41244335; plus strand). Cytogenetic location: 17q21.31.
Variant type: single nucleotide variant.
Coding change: c.3692T>C on transcript NM_007294.4 (MANE Select); coding-DNA position 3692, T replaced by C.
Protein change: p.Phe1231Ser; replaces phenylalanine 1231 with serine.
Molecular consequence: missense variant. On other transcripts: intron variant (135).
Genome position (GRCh38, 1-based): chr17:43,091,839, A>G on the plus strand (T>C on the coding strand, the complement: BRCA1 is on the minus strand). VCF-style: chr17-43091839-A-G. GRCh37 (hg19) VCF-style: chr17-41243856-A-G.
Other names: c.3188T>C, p.Phe1063Ser (NM_001407965.1); c.2804T>C, p.Phe935Ser (NM_001407966.1, NM_001407967.1); c.1088T>C, p.Phe363Ser (NM_001407968.1, NM_001407969.1); c.3551T>C, p.Phe1184Ser (NM_007297.4, NM_001407942.1, NM_001407944.1 and 29 more transcripts); c.3692T>C, p.Phe1231Ser (NM_007300.4, NM_001407581.1, NM_001407582.1 and 30 more transcripts); c.647-807T>C (NM_001408458.1, NM_001408469.1, NM_001408453.1 and 11 more transcripts); c.3479T>C, p.Phe1160Ser (NM_001407915.1, NM_001407916.1, NM_001407917.1 and 9 more transcripts); c.3569T>C, p.Phe1190Ser (NM_001407919.1, NM_001407937.1, NM_001407938.1 and 19 more transcripts); and 41 more; short protein forms F1161S, F1163S, F1231S, F1063S, F1103S, F1104S, F1119S, F1189S.
Identifiers: ClinVar variation 2760060 (VCV002760060.3), dbSNP rs2053542972, ClinGen allele CA10594579.